The following is an entry in ClinVar:

NM_015213.4(DENND5A):c.1073C>A (p.Pro358Gln)

Gene: DENND5A (DENN domain containing 5A; minus strand). Cytogenetic location: 11p15.4.
Variant type: single nucleotide variant.
Coding change: c.1073C>A on transcript NM_015213.4 (MANE Select); coding-DNA position 1073, C replaced by A.
Protein change: p.Pro358Gln; replaces proline 358 with glutamine.
Molecular consequence: missense variant. On other transcripts: non-coding transcript variant (1).
Genome position (GRCh38, 1-based): chr11:9,193,558, G>T on the plus strand (C>A on the coding strand, the complement: DENND5A is on the minus strand). VCF-style: chr11-9193558-G-T. GRCh37 (hg19) VCF-style: chr11-9215105-G-T.
Other names: c.1073C>A, p.Pro358Gln (NM_001243254.2, NM_001348748.1); c.1001C>A, p.Pro334Gln (NM_001348749.2); c.785C>A, p.Pro262Gln (NM_001348750.2); c.1073C>A (NM_015213.3); short protein forms P262Q, P334Q, P358Q.
Identifiers: ClinVar variation 2003604 (VCV002003604.5), dbSNP rs2493874807, ClinGen allele CA379594865.

ClinVar aggregate classification (germline): Uncertain significance. Review status: criteria provided, multiple submitters, no conflicts (2 of 4 stars). 2 submissions from 2 submitters: Uncertain significance (2). Last evaluated 2025-02-25.

Conditions:
Inborn genetic diseases. Identifiers: MedGen C0950123, MeSH D030342.

Submissions (2):

Ambry Genetics
Classification: Uncertain significance for Inborn genetic diseases. Last evaluated: 2025-02-25. Review status: criteria provided, single submitter. Criteria: Ambry Variant Classification Scheme 2023. Collection method: clinical testing. Allele origin: germline.

Labcorp Genetics (formerly Invitae), Labcorp
Classification: Uncertain significance. Last evaluated: 2022-07-07. Review status: criteria provided, single submitter. Criteria: Invitae Variant Classification Sherloc (09022015). Collection method: clinical testing. Allele origin: germline.
Comment: In summary, the available evidence is currently insufficient to determine the role of this variant in disease. Therefore, it has been classified as a Variant of Uncertain Significance. Algorithms developed to predict the effect of missense changes on protein structure and function are either unavailable or do not agree on the potential impact of this missense change (SIFT: "Deleterious"; PolyPhen-2: "Probably Damaging"; Align-GVGD: "Class C0"). This variant has not been reported in the literature in individuals affected with DENND5A-related conditions. This variant is not present in population databases (gnomAD no frequency). This sequence change replaces proline, which is neutral and non-polar, with glutamine, which is neutral and polar, at codon 358 of the DENND5A protein (p.Pro358Gln).